The following is an entry in ClinVar:

ClinVar aggregate classification (germline): Uncertain significance (1 of 4 stars; one submission).

Conditions:
Joubert syndrome. Also called: CEREBELLOPARENCHYMAL DISORDER IV; JOUBERT-BOLTSHAUSER SYNDROME; Familial aplasia of the vermis. Identifiers: Orphanet 475, MedGen C5979921, MONDO:0018772.

Submission:

Labcorp Genetics (formerly Invitae), Labcorp
Classification: Uncertain significance for Joubert syndrome. Last evaluated: 2022-10-17. Review status: criteria provided, single submitter. Criteria: Invitae Variant Classification Sherloc (09022015). Collection method: clinical testing. Allele origin: germline.
Comment: This sequence change affects a donor splice site in intron 27 of the AHI1 gene. While this variant is not anticipated to result in nonsense mediated decay, it likely alters RNA splicing and results in a disrupted protein product. This variant is not present in population databases (gnomAD no frequency). This variant has not been reported in the literature in individuals affected with AHI1-related conditions. ClinVar contains an entry for this variant (Variation ID: 1389936). Variants that disrupt the consensus splice site are a relatively common cause of aberrant splicing (PMID: 17576681, 9536098). Algorithms developed to predict the effect of sequence changes on RNA splicing suggest that this variant may disrupt the consensus splice site. In summary, the available evidence is currently insufficient to determine the role of this variant in disease. Therefore, it has been classified as a Variant of Uncertain Significance.

Literature cited by the submitters: PubMed 17576681; PubMed 9536098.

NM_001134831.2(AHI1):c.3588+2T>A

Gene: AHI1 (Abelson helper integration site 1; minus strand). Cytogenetic location: 6q23.3.
Variant type: single nucleotide variant.
Coding change: c.3588+2T>A on transcript NM_001134831.2 (MANE Select); the canonical splice donor site of the intron after coding-DNA position 3588, T replaced by A.
Molecular consequence: splice donor variant. On other transcripts: intron variant (1).
Genome position (GRCh38, 1-based): chr6:135,290,421, A>T on the plus strand (T>A on the coding strand, the complement: AHI1 is on the minus strand). VCF-style: chr6-135290421-A-T. GRCh37 (hg19) VCF-style: chr6-135611559-A-T.
Other names: c.3588+2T>A (NM_001134830.2, NM_001350503.2, NM_017651.5); c.3486-4774T>A (NM_001350504.2).
Identifiers: ClinVar variation 1389936 (VCV001389936.3), dbSNP rs1782194096, ClinGen allele CA2573140533.